The following is an entry in ClinVar:

ClinVar aggregate classification (germline): Uncertain significance (1 of 4 stars; one submission).

Conditions:
Hypertrophic cardiomyopathy. Also called: HYPERTROPHIC MYOCARDIOPATHY. Identifiers: Orphanet 217569, MedGen C0007194, MeSH D002312, MONDO:0005045, HP:0001639.

Submission:

All of Us Research Program, National Institutes of Health
Classification: Uncertain significance for Hypertrophic cardiomyopathy. Last evaluated: 2024-09-23. Review status: criteria provided, single submitter. Criteria: ACMG Guidelines, 2015. Collection method: clinical testing. Allele origin: germline. Inheritance: Autosomal dominant inheritance. Observed: 2 variant alleles, 2 heterozygotes.
Comment: This study involves interpretation of variants in research participants for the purpose of population health screening. Participant phenotype was not available at the time of variant classification. Additional details can be found in publication PMID: 35346344, PMCID: PMC8962531

NM_000258.3(MYL3):c.37G>A (p.Ala13Thr)

Gene: MYL3 (myosin light chain 3; minus strand). Cytogenetic location: 3p21.31.
Variant type: single nucleotide variant.
Coding change: c.37G>A on transcript NM_000258.3 (MANE Select); coding-DNA position 37, G replaced by A.
Protein change: p.Ala13Thr; replaces alanine 13 with threonine.
Molecular consequence: missense variant.
Genome position (GRCh38, 1-based): chr3:46,863,354, C>T on the plus strand (G>A on the coding strand, the complement: MYL3 is on the minus strand). VCF-style: chr3-46863354-C-T. GRCh37 (hg19) VCF-style: chr3-46904844-C-T.
Other names: c.37G>A, p.Ala13Thr (NM_001406937.1, NM_001406938.1, NM_001406939.1); short protein forms A13T.
Identifiers: ClinVar variation 3070014 (VCV003070014.2), dbSNP rs2544972011, ClinGen allele CA352499828.